The following is an entry in ClinVar:

ClinVar aggregate classification (germline): Uncertain significance (1 of 4 stars; one submission).

Conditions:
O'Donnell-Luria-Rodan syndrome (ODLURO). Also called: KMT2E-Related Neurodevelopmental Disorder. Identifiers: MedGen C5193138, MONDO:0032793, OMIM 618512.

gnomAD v4.1: 1 of 1,610,474 alleles (0.000062%); highest among the groups gnomAD compares: Non-Finnish European, 0.000085%; no homozygotes.

Submission:

Laboratorio de Genetica e Diagnostico Molecular, Hospital Israelita Albert Einstein
Classification: Uncertain significance for O'Donnell-Luria-Rodan syndrome. Last evaluated: 2024-02-19. Review status: criteria provided, single submitter. Criteria: ACMG Guidelines, 2015. Collection method: clinical testing. Allele origin: germline. Affected: yes.
Comment: ACMG classification criteria: PM2 moderate, PP3 supporting

NM_182931.3(KMT2E):c.632C>T (p.Thr211Ile)

Gene: KMT2E (lysine methyltransferase 2E (inactive); plus strand). Cytogenetic location: 7q22.3.
Variant type: single nucleotide variant.
Coding change: c.632C>T on transcript NM_182931.3 (MANE Select); coding-DNA position 632, C replaced by T.
Protein change: p.Thr211Ile; replaces threonine 211 with isoleucine.
Molecular consequence: missense variant.
Genome position (GRCh38, 1-based): chr7:105,074,718, C>T. VCF-style: chr7-105074718-C-T. GRCh37 (hg19) VCF-style: chr7-104715165-C-T.
Other names: c.632C>T, p.Thr211Ile (NM_001410908.1, NM_018682.4); short protein forms T211I.
Identifiers: ClinVar variation 4056569 (VCV004056569.1).